The following is an entry in ClinVar:

ClinVar aggregate classification (germline): Uncertain significance (1 of 4 stars; one submission).

Conditions:
Immunodeficiency 132A. Also called: Herpes simplex encephalitis, susceptibility to, 3. Identifiers: Orphanet 1930, MedGen C3553868, MONDO:0013920, OMIM 614849.

Submission:

Labcorp Genetics (formerly Invitae), Labcorp
Classification: Uncertain significance for Immunodeficiency 132A. Last evaluated: 2022-10-25. Review status: criteria provided, single submitter. Criteria: Invitae Variant Classification Sherloc (09022015). Collection method: clinical testing. Allele origin: germline.
Comment: Algorithms developed to predict the effect of missense changes on protein structure and function are either unavailable or do not agree on the potential impact of this missense change (SIFT: "Deleterious"; PolyPhen-2: "Probably Damaging"; Align-GVGD: "Class C0"). This sequence change replaces cysteine, which is neutral and slightly polar, with glycine, which is neutral and non-polar, at codon 124 of the TRAF3 protein (p.Cys124Gly). This variant is not present in population databases (gnomAD no frequency). This variant has not been reported in the literature in individuals affected with TRAF3-related conditions. In summary, the available evidence is currently insufficient to determine the role of this variant in disease. Therefore, it has been classified as a Variant of Uncertain Significance.

NM_145725.3(TRAF3):c.370T>G (p.Cys124Gly)

Gene: TRAF3 (TNF receptor associated factor 3; plus strand). Cytogenetic location: 14q32.32.
Variant type: single nucleotide variant.
Coding change: c.370T>G on transcript NM_145725.3 (MANE Select); coding-DNA position 370, T replaced by G.
Protein change: p.Cys124Gly; replaces cysteine 124 with glycine.
Molecular consequence: missense variant.
Genome position (GRCh38, 1-based): chr14:102,875,696, T>G. VCF-style: chr14-102875696-T-G. GRCh37 (hg19) VCF-style: chr14-103342033-T-G.
Other names: c.370T>G, p.Cys124Gly (NM_001199427.2, NM_001385142.1, NM_001385143.1 and 2 more transcripts); short protein forms C124G.
Identifiers: ClinVar variation 2081231 (VCV002081231.4), dbSNP rs2542451747, ClinGen allele CA391070347.